The following is an entry in ClinVar:

ClinVar aggregate classification (germline): Uncertain significance. Review status: criteria provided, multiple submitters, no conflicts (2 of 4 stars). 2 submissions from 2 submitters: Uncertain significance (2). Last evaluated 2023-09-01.

Conditions:
Hereditary cancer-predisposing syndrome. Also called: Hereditary neoplastic syndrome; Tumor predisposition; Hereditary Cancer Syndrome; Neoplastic Syndromes, Hereditary. Identifiers: Orphanet 140162, MedGen C0027672, MeSH D009386, MONDO:0015356.
Gastrointestinal stromal tumor. Also called: Gastrointestinal stroma tumor; Gastrointestinal stromal tumor, somatic. Identifiers: Orphanet 44890, MedGen C0238198, MeSH D046152, MONDO:0011719, OMIM 606764, HP:0100723.
Pheochromocytoma/paraganglioma syndrome 4. Also called: CAROTID BODY TUMORS AND MULTIPLE EXTRAADRENAL PHEOCHROMOCYTOMAS; SDHB-Related Hereditary Paraganglioma-Pheochromocytoma Syndrome; PARAGANGLIOMA, FAMILIAL MALIGNANT; PARAGANGLIOMAS, HEREDITARY EXTRAADRENAL; PHEOCHROMOCYTOMA, FAMILIAL EXTRAADRENAL; Paragangliomas 4. Identifiers: Orphanet 29072, MedGen C1861848, MONDO:0007273, OMIM 115310.
Pheochromocytoma. Also called: MAX-Related Hereditary Paraganglioma-Pheochromocytoma Syndrome. Identifiers: Orphanet 29072, MedGen C0031511, MONDO:0008233, OMIM 171300, HP:0002666.

Allele frequency attached by ClinVar (database versions not stated): TOPMed below 0.00001.
gnomAD v4.1: 1 of 1,612,736 alleles (0.000062%); highest among the groups gnomAD compares: Non-Finnish European, 0.000085%; no homozygotes.

Submissions (2):

Labcorp Genetics (formerly Invitae), Labcorp
Classification: Uncertain significance for Gastrointestinal stromal tumor; Pheochromocytoma/paraganglioma syndrome 4; Pheochromocytoma. Last evaluated: 2023-09-01. Review status: criteria provided, single submitter. Criteria: Invitae Variant Classification Sherloc (09022015). Collection method: clinical testing. Allele origin: germline.
Comment: In summary, the available evidence is currently insufficient to determine the role of this variant in disease. Therefore, it has been classified as a Variant of Uncertain Significance. Advanced modeling of protein sequence and biophysical properties (such as structural, functional, and spatial information, amino acid conservation, physicochemical variation, residue mobility, and thermodynamic stability) performed at Invitae indicates that this missense variant is not expected to disrupt SDHB protein function. ClinVar contains an entry for this variant (Variation ID: 1469492). This variant has not been reported in the literature in individuals affected with SDHB-related conditions. This variant is not present in population databases (gnomAD no frequency). This sequence change replaces alanine, which is neutral and non-polar, with glycine, which is neutral and non-polar, at codon 21 of the SDHB protein (p.Ala21Gly).

Ambry Genetics
Classification: Uncertain significance for Hereditary cancer-predisposing syndrome. Last evaluated: 2020-04-29. Review status: criteria provided, single submitter. Criteria: Ambry Variant Classification Scheme 2023. Collection method: clinical testing. Allele origin: germline.
Comment: The p.A21G variant (also known as c.62C>G), located in coding exon 1 of the SDHB gene, results from a C to G substitution at nucleotide position 62. The alanine at codon 21 is replaced by glycine, an amino acid with similar properties. This amino acid position is not well conserved in available vertebrate species. In addition, the in silico prediction for this alteration is inconclusive. Since supporting evidence is limited at this time, the clinical significance of this alteration remains unclear.

NM_003000.3(SDHB):c.62C>G (p.Ala21Gly)

Genes: SDHB (succinate dehydrogenase complex iron sulfur subunit B; minus strand), LOC129929542 (ATAC-STARR-seq lymphoblastoid active region 277; plus strand). Cytogenetic location: 1p36.13.
Variant type: single nucleotide variant.
Coding change: c.62C>G on transcript NM_003000.3 (MANE Select); coding-DNA position 62, C replaced by G.
Protein change: p.Ala21Gly; replaces alanine 21 with glycine.
Molecular consequence: missense variant.
Genome position (GRCh38, 1-based): chr1:17,053,958, G>C on the plus strand (C>G on the coding strand, the complement: SDHB is on the minus strand). VCF-style: chr1-17053958-G-C. GRCh37 (hg19) VCF-style: chr1-17380453-G-C.
Other names: short protein forms A21G.
Identifiers: ClinVar variation 1469492 (VCV001469492.10), dbSNP rs2078163173, ClinGen allele CA338230636.